The following is an entry in ClinVar:

ClinVar aggregate classification (germline): Uncertain significance (1 of 4 stars; one submission).

Allele frequency attached by ClinVar (database versions not stated): gnomAD exomes 0.00001.
gnomAD v4.1: 16 of 1,613,260 alleles (0.00099%); highest among the groups gnomAD compares: Non-Finnish European, 0.0014%; no homozygotes.

Submission:

Labcorp Genetics (formerly Invitae), Labcorp
Classification: Uncertain significance. Last evaluated: 2021-09-02. Review status: criteria provided, single submitter. Criteria: Invitae Variant Classification Sherloc (09022015). Collection method: clinical testing. Allele origin: germline.
Comment: This sequence change replaces serine with proline at codon 663 of the SLC9A3 protein (p.Ser663Pro). The serine residue is moderately conserved and there is a moderate physicochemical difference between serine and proline. This variant is not present in population databases (ExAC no frequency). This variant has not been reported in the literature in individuals with SLC9A3-related conditions. Algorithms developed to predict the effect of missense changes on protein structure and function are either unavailable or do not agree on the potential impact of this missense change (SIFT: "Not Available"; PolyPhen-2: "Possibly Damaging"; Align-GVGD: "Not Available"). In summary, the available evidence is currently insufficient to determine the role of this variant in disease. Therefore, it has been classified as a Variant of Uncertain Significance.

NM_004174.4(SLC9A3):c.1987T>C (p.Ser663Pro)

Genes: SLC9A3 (solute carrier family 9 member A3), SLC9A3-AS1 (SLC9A3 antisense RNA 1; plus strand). Cytogenetic location: 5p15.33.
Variant type: single nucleotide variant.
Coding change: c.1987T>C on transcript NM_004174.4 (MANE Select); coding-DNA position 1987, T replaced by C.
Protein change: p.Ser663Pro; replaces serine 663 with proline.
Molecular consequence: missense variant. On other transcripts: non-coding transcript variant (1).
Genome position (GRCh38, 1-based): chr5:476,282, A>G on the plus strand (T>C on the coding strand, the complement: SLC9A3 is on the minus strand). VCF-style: chr5-476282-A-G. GRCh37 (hg19) VCF-style: chr5-476397-A-G.
Other names: c.1960T>C, p.Ser654Pro (NM_001284351.3); short protein forms S654P, S663P.
Identifiers: ClinVar variation 1356839 (VCV001356839.8), dbSNP rs1738726787, ClinGen allele CA359025086.
Genomic context (GRCh38, chr5:476,282, plus strand): 5'-GCTTGTACAGCTTGGCCGCCTTCTTGTTCTGGTTGAGCCCCAGCTTGGTCGACTTGAAGG[A>G]CTCCAGGCGCTTCCGCATGGTCCTGTGGAAGATTTCCCGGTCCTGTTTCTCGTCCTCCGT-3'
Protein context (NP_004165.2, residues 653-673): FHRTMRKRLE[Ser663Pro]FKSTKLGLNQ